The following is an entry in ClinVar:

NM_001288705.3(CSF1R):c.2843G>C (p.Ser948Thr)

Gene: CSF1R (colony stimulating factor 1 receptor; minus strand). Cytogenetic location: 5q32.
Variant type: single nucleotide variant.
Coding change: c.2843G>C on transcript NM_001288705.3 (MANE Select); coding-DNA position 2843, G replaced by C.
Protein change: p.Ser948Thr; replaces serine 948 with threonine.
Molecular consequence: missense variant. On other transcripts: non-coding transcript variant (2).
Genome position (GRCh38, 1-based): chr5:150,054,145, C>G on the plus strand (G>C on the coding strand, the complement: CSF1R is on the minus strand). VCF-style: chr5-150054145-C-G. GRCh37 (hg19) VCF-style: chr5-149433708-C-G.
Other names: c.2843G>C, p.Ser948Thr (NM_001375320.1, NM_005211.4, NM_001349736.2); c.2399G>C, p.Ser800Thr (NM_001375321.1); short protein forms S800T, S948T.
Identifiers: ClinVar variation 1470678 (VCV001470678.6), dbSNP rs1205127061, ClinGen allele CA361756177.

ClinVar aggregate classification (germline): Uncertain significance (1 of 4 stars; one submission).

Allele frequency attached by ClinVar (database versions not stated): TOPMed below 0.00001.

Submission:

Labcorp Genetics (formerly Invitae), Labcorp
Classification: Uncertain significance. Last evaluated: 2021-11-02. Review status: criteria provided, single submitter. Criteria: Invitae Variant Classification Sherloc (09022015). Collection method: clinical testing. Allele origin: germline.
Comment: In summary, the available evidence is currently insufficient to determine the role of this variant in disease. Therefore, it has been classified as a Variant of Uncertain Significance. Advanced modeling of protein sequence and biophysical properties (such as structural, functional, and spatial information, amino acid conservation, physicochemical variation, residue mobility, and thermodynamic stability) performed at Invitae indicates that this missense variant is not expected to disrupt CSF1R protein function. This variant has not been reported in the literature in individuals affected with CSF1R-related conditions. This variant is not present in population databases (gnomAD no frequency). This sequence change replaces serine, which is neutral and polar, with threonine, which is neutral and polar, at codon 948 of the CSF1R protein (p.Ser948Thr).